The following is an entry in ClinVar:

ClinVar aggregate classification (germline): Uncertain significance (1 of 4 stars; one submission).

Allele frequency attached by ClinVar (database versions not stated): TOPMed below 0.00001.

Submission:

Women's Health and Genetics/Laboratory Corporation of America, LabCorp
Classification: Uncertain significance. Last evaluated: 2022-12-15. Review status: criteria provided, single submitter. Criteria: LabCorp Variant Classification Summary - May 2015. Collection method: clinical testing. Allele origin: germline.
Comment: Variant summary: BCKDHA c.335T>C (p.Leu112Pro) results in a non-conservative amino acid change located in the Dehydrogenase, E1 component domain (IPR001017) of the encoded protein sequence. Five of five in-silico tools predict a damaging effect of the variant on protein function. The variant was absent in 251436 control chromosomes (gnomAD). The available data on variant occurrences in the general population are insufficient to allow any conclusion about variant significance. c.335T>C has been reported in the literature as detected in a newborn screening however second pathogenic allele was not specified (example: Al-Jasmi_2015). This report does not provide unequivocal conclusions about association of the variant with Maple Syrup Urine Disease. To our knowledge, no experimental evidence demonstrating an impact on protein function has been reported. No clinical diagnostic laboratories have submitted clinical-significance assessments for this variant to ClinVar after 2014. Based on the evidence outlined above, the variant was classified as uncertain significance.

Literature cited by the submitters: PubMed 26589311.

NM_000709.4(BCKDHA):c.335T>C (p.Leu112Pro)

Gene: BCKDHA (branched chain keto acid dehydrogenase E1 subunit alpha; plus strand). Cytogenetic location: 19q13.2.
Variant type: single nucleotide variant.
Coding change: c.335T>C on transcript NM_000709.4 (MANE Select); coding-DNA position 335, T replaced by C.
Protein change: p.Leu112Pro; replaces leucine 112 with proline.
Molecular consequence: missense variant.
Genome position (GRCh38, 1-based): chr19:41,410,969, T>C. VCF-style: chr19-41410969-T-C. GRCh37 (hg19) VCF-style: chr19-41916874-T-C.
Other names: c.335T>C, p.Leu112Pro (NM_001164783.2); short protein forms L112P.
Identifiers: ClinVar variation 1878306 (VCV001878306.1), dbSNP rs1685995474, ClinGen allele CA406005707.
Genomic context (GRCh38, chr19:41,410,969, plus strand): 5'-GCCTCCACCCGCAGCTGCCGAAGGAGAAGGTGCTGAAGCTCTACAAGAGCATGACACTGC[T>C]TAACACCATGGACCGCATCCTCTATGAGTCTCAGCGGCAGGTGCGTGGGGACAGGACTAG-3'
Protein context (NP_000700.1, residues 102-122): VLKLYKSMTL[Leu112Pro]NTMDRILYES